The following is an entry in ClinVar:

ClinVar aggregate classification (germline): Conflicting classifications of pathogenicity. Review status: criteria provided, conflicting classifications (1 of 4 stars). 2 submissions from 2 submitters: Uncertain significance (1); Likely benign (1). Last evaluated 2025-09-24.

Conditions:
Inborn genetic diseases. Identifiers: MedGen C0950123, MeSH D030342.

Allele frequency attached by ClinVar (database versions not stated): TOPMed 0.00001; ExAC 0.00004; gnomAD 0.00001; gnomAD exomes 0.00001.
gnomAD v4.1: 14 of 1,605,874 alleles (0.00087%); highest among the groups gnomAD compares: South Asian, 0.0044%; 1 homozygote.

Submissions (2):

Labcorp Genetics (formerly Invitae), Labcorp
Classification: Uncertain significance. Last evaluated: 2025-09-24. Review status: criteria provided, single submitter. Criteria: Invitae Variant Classification Sherloc (09022015). Collection method: clinical testing. Allele origin: germline.
Comment: This sequence change replaces arginine, which is basic and polar, with histidine, which is basic and polar, at codon 1001 of the RAI1 protein (p.Arg1001His). The frequency data for this variant in the population databases is considered unreliable, as metrics indicate poor data quality at this position in the gnomAD database. This variant has not been reported in the literature in individuals affected with RAI1-related conditions. ClinVar contains an entry for this variant (Variation ID: 1473854). Invitae Evidence Modeling of protein sequence and biophysical properties (such as structural, functional, and spatial information, amino acid conservation, physicochemical variation, residue mobility, and thermodynamic stability) indicates that this missense variant is not expected to disrupt RAI1 protein function with a negative predictive value of 80%. In summary, the available evidence is currently insufficient to determine the role of this variant in disease. Therefore, it has been classified as a Variant of Uncertain Significance.

Ambry Genetics
Classification: Likely benign for Inborn genetic diseases. Last evaluated: 2019-10-04. Review status: criteria provided, single submitter. Criteria: Ambry Variant Classification Scheme 2023. Collection method: clinical testing. Allele origin: germline.

NM_030665.4(RAI1):c.3002G>A (p.Arg1001His)

Gene: RAI1 (retinoic acid induced 1; plus strand). Cytogenetic location: 17p11.2.
Variant type: single nucleotide variant.
Coding change: c.3002G>A on transcript NM_030665.4 (MANE Select); coding-DNA position 3002, G replaced by A.
Protein change: p.Arg1001His; replaces arginine 1001 with histidine.
Molecular consequence: missense variant.
Genome position (GRCh38, 1-based): chr17:17,795,950, G>A. VCF-style: chr17-17795950-G-A. GRCh37 (hg19) VCF-style: chr17-17699264-G-A.
Other names: short protein forms R1001H.
Identifiers: ClinVar variation 1473854 (VCV001473854.8), dbSNP rs765687947, ClinGen allele CA8418656.